The following is an entry in ClinVar:

NM_001080414.4(CCDC88C):c.3260A>G (p.Asn1087Ser)

Gene: CCDC88C (coiled-coil and HOOK domain protein 88C; minus strand). Cytogenetic location: 14q32.11.
Variant type: single nucleotide variant.
Coding change: c.3260A>G on transcript NM_001080414.4 (MANE Select); coding-DNA position 3260, A replaced by G.
Protein change: p.Asn1087Ser; replaces asparagine 1087 with serine.
Molecular consequence: missense variant.
Genome position (GRCh38, 1-based): chr14:91,305,862, T>C on the plus strand (A>G on the coding strand, the complement: CCDC88C is on the minus strand). VCF-style: chr14-91305862-T-C. GRCh37 (hg19) VCF-style: chr14-91772206-T-C.
Other names: short protein forms N1087S.
Identifiers: ClinVar variation 743240 (VCV000743240.8), dbSNP rs143691366, ClinGen allele CA7309404.

ClinVar aggregate classification (germline): Likely benign. Review status: criteria provided, single submitter (1 of 4 stars). 2 submissions from 2 submitters: Likely benign (1). 1 of the submissions does not count toward it. Last evaluated 2026-01-26.

Conditions:
CCDC88C-related disorder. Also called: CCDC88C-Related Disorders; CCDC88C-related condition.

Allele frequency attached by ClinVar (database versions not stated): gnomAD exomes 0.00013 and 0.00030; ExAC 0.00037; ESP Exome Variant Server 0.00111; gnomAD 0.00111 and 0.00113; TOPMed 0.00128; 1000 Genomes Project 30x 0.00234; 1000 Genomes Project 0.00260.
gnomAD v4.1: 368 of 1,613,994 alleles (0.023%); highest among the groups gnomAD compares: African/African-American, 0.43%; 2 homozygotes.

Submissions (2):

Labcorp Genetics (formerly Invitae), Labcorp
Classification: Likely benign. Last evaluated: 2026-01-26. Review status: criteria provided, single submitter. Criteria: Invitae Variant Classification Sherloc (09022015). Collection method: clinical testing. Allele origin: germline.

PreventionGenetics, part of Exact Sciences
Classification: Likely benign for CCDC88C-related condition. Last evaluated: 2023-06-06. Review status: no assertion criteria provided. Collection method: clinical testing. Allele origin: germline. Not counted in ClinVar's aggregate classification.
Comment: This variant is classified as likely benign based on ACMG/AMP sequence variant interpretation guidelines (Richards et al. 2015 PMID: 25741868, with internal and published modifications).